The following is an entry in ClinVar:

NM_004006.3(DMD):c.1286C>T (p.Ser429Leu)

Gene: DMD (dystrophin; minus strand). Cytogenetic location: Xp21.1.
Variant type: single nucleotide variant.
Coding change: c.1286C>T on transcript NM_004006.3 (MANE Select); coding-DNA position 1286, C replaced by T.
Protein change: p.Ser429Leu; replaces serine 429 with leucine.
Molecular consequence: missense variant.
Genome position (GRCh38, 1-based): chrX:32,644,177, G>A on the plus strand (C>T on the coding strand, the complement: DMD is on the minus strand). VCF-style: chrX-32644177-G-A. GRCh37 (hg19) VCF-style: chrX-32662294-G-A.
Other names: c.1262C>T, p.Ser421Leu (NM_000109.4); c.1274C>T, p.Ser425Leu (NM_004009.3); c.917C>T, p.Ser306Leu (NM_004010.3); short protein forms S421L, S306L, S425L, S429L.
Identifiers: ClinVar variation 2965407 (VCV002965407.3), dbSNP rs398123853, ClinGen allele CA412660941.

ClinVar aggregate classification (germline): Uncertain significance (1 of 4 stars; one submission).

Conditions:
Duchenne muscular dystrophy (DMD). Also called: MUSCULAR DYSTROPHY, PSEUDOHYPERTROPHIC PROGRESSIVE, DUCHENNE TYPE; Duchenne Muscular Dystrophy (DMD). Identifiers: Orphanet 98896, MedGen C0013264, MONDO:0010679, OMIM 310200.

Allele frequency attached by ClinVar (database versions not stated): gnomAD 0.00001.
gnomAD v4.1: 1 of 1,208,001 alleles (0.000083%); highest among the groups gnomAD compares: African/African-American, 0.0018%; no homozygotes.

Submission:

Labcorp Genetics (formerly Invitae), Labcorp
Classification: Uncertain significance for Duchenne muscular dystrophy. Last evaluated: 2025-06-01. Review status: criteria provided, single submitter. Criteria: Invitae Variant Classification Sherloc (09022015). Collection method: clinical testing. Allele origin: germline.
Comment: This sequence change replaces serine, which is neutral and polar, with leucine, which is neutral and non-polar, at codon 429 of the DMD protein (p.Ser429Leu). This variant is present in population databases (no rsID available, gnomAD 0.008%). This variant has not been reported in the literature in individuals affected with DMD-related conditions. ClinVar contains an entry for this variant (Variation ID: 2965407). Invitae Evidence Modeling of protein sequence and biophysical properties (such as structural, functional, and spatial information, amino acid conservation, physicochemical variation, residue mobility, and thermodynamic stability) indicates that this missense variant is not expected to disrupt DMD protein function with a negative predictive value of 95%. In summary, the available evidence is currently insufficient to determine the role of this variant in disease. Therefore, it has been classified as a Variant of Uncertain Significance.